The following is an entry in ClinVar:

NM_003590.5(CUL3):c.1264A>C (p.Met422Leu)

Gene: CUL3 (cullin 3; minus strand). Cytogenetic location: 2q36.2.
Variant type: single nucleotide variant.
Coding change: c.1264A>C on transcript NM_003590.5 (MANE Select); coding-DNA position 1264, A replaced by C.
Protein change: p.Met422Leu; replaces methionine 422 with leucine.
Molecular consequence: missense variant.
Genome position (GRCh38, 1-based): chr2:224,503,765, T>G on the plus strand (A>C on the coding strand, the complement: CUL3 is on the minus strand). VCF-style: chr2-224503765-T-G. GRCh37 (hg19) VCF-style: chr2-225368482-T-G.
Other names: c.1066A>C, p.Met356Leu (NM_001257197.2); c.1282A>C, p.Met428Leu (NM_001257198.2); short protein forms M428L, M422L, M356L.
Identifiers: ClinVar variation 2719602 (VCV002719602.3), dbSNP rs2469974774, ClinGen allele CA350827554.
Genomic context (GRCh38, chr2:224,503,765, plus strand): 5'-TGAGAAGTCTCCTTGCCAAGTGTTGTTTATAATAACGTTCAAATACATCTTTTTCTTGCA[T>G]AAACCTAAAAAGGACCATTGCTTTATCCAATATTGTTTCTACTTCTTGTTCTGTTAGCTG-3'
Protein context (NP_003581.1, residues 412-432): LDKAMVLFRF[Met422Leu]QEKDVFERYY

ClinVar aggregate classification (germline): Uncertain significance (1 of 4 stars; one submission).

Submission:

Labcorp Genetics (formerly Invitae), Labcorp
Classification: Uncertain significance. Last evaluated: 2024-01-15. Review status: criteria provided, single submitter. Criteria: Invitae Variant Classification Sherloc (09022015). Collection method: clinical testing. Allele origin: germline.
Comment: This sequence change replaces methionine, which is neutral and non-polar, with leucine, which is neutral and non-polar, at codon 422 of the CUL3 protein (p.Met422Leu). This variant is not present in population databases (gnomAD no frequency). This variant has not been reported in the literature in individuals affected with CUL3-related conditions. Advanced modeling of protein sequence and biophysical properties (such as structural, functional, and spatial information, amino acid conservation, physicochemical variation, residue mobility, and thermodynamic stability) performed at Invitae indicates that this missense variant is not expected to disrupt CUL3 protein function with a negative predictive value of 80%. In summary, the available evidence is currently insufficient to determine the role of this variant in disease. Therefore, it has been classified as a Variant of Uncertain Significance.